The following is an entry in ClinVar:

NM_000180.4(GUCY2D):c.343T>C (p.Ser115Pro)

Gene: GUCY2D (guanylate cyclase 2D, retinal; plus strand). Cytogenetic location: 17p13.1.
Variant type: single nucleotide variant.
Coding change: c.343T>C on transcript NM_000180.4 (MANE Select); coding-DNA position 343, T replaced by C.
Protein change: p.Ser115Pro; replaces serine 115 with proline.
Molecular consequence: missense variant.
Genome position (GRCh38, 1-based): chr17:8,003,390, T>C. VCF-style: chr17-8003390-T-C. GRCh37 (hg19) VCF-style: chr17-7906708-T-C.
Other names: short protein forms S115P.
Identifiers: ClinVar variation 866021 (VCV000866021.25), dbSNP rs562248093, ClinGen allele CA8365493.

ClinVar aggregate classification (germline): Conflicting classifications of pathogenicity. Review status: criteria provided, conflicting classifications (1 of 4 stars). 3 submissions from 3 submitters: Uncertain significance (1); Likely benign (2). Last evaluated 2026-01-18.

Conditions:
Cone-rod dystrophy 6 (CORD6). Also called: Cone dystrophy progressive; RETINAL CONE DYSTROPHY 2. Identifiers: Orphanet 1872, MedGen C1866293, MONDO:0011143, OMIM 601777.
Leber congenital amaurosis 1 (LCA1). Also called: RETINAL BLINDNESS, CONGENITAL; AMAUROSIS CONGENITA OF LEBER I; Congenital absence of the rods and cones; Leber's congenital tapetoretinal degeneration; Leber's congenital tapetoretinal dysplasia. Identifiers: Orphanet 65, MedGen C2931258, MONDO:0008764, OMIM 204000.

Allele frequency attached by ClinVar (database versions not stated): ExAC 0.00011; gnomAD exomes 0.00011 and 0.00032; gnomAD 0.00022 and 0.00026; TOPMed 0.00029; 1000 Genomes Project 0.00040; 1000 Genomes Project 30x 0.00125.
gnomAD v4.1: 198 of 1,475,088 alleles (0.013%); highest among the groups gnomAD compares: East Asian, 0.22%; no homozygotes.

Submissions (3):

Labcorp Genetics (formerly Invitae), Labcorp
Classification: Likely benign for Leber congenital amaurosis 1; Cone-rod dystrophy 6. Last evaluated: 2026-01-18. Review status: criteria provided, single submitter. Criteria: Invitae Variant Classification Sherloc (09022015). Collection method: clinical testing. Allele origin: germline.

CeGaT Center for Human Genetics Tuebingen
Classification: Uncertain significance. Last evaluated: 2024-10-01. Review status: criteria provided, single submitter. Criteria: CeGaT Center For Human Genetics Tuebingen Variant Classification Criteria Version 2. Collection method: clinical testing. Allele origin: germline. Affected: yes. Observed: 1 variant allele.
Comment: GUCY2D: PP2

Blueprint Genetics
Classification: Likely benign. Last evaluated: 2024-09-16. Review status: criteria provided, single submitter. Criteria: ACMG Guidelines, 2015. Collection method: clinical testing. Allele origin: germline.